The following is an entry in ClinVar:

ClinVar aggregate classification (germline): Conflicting classifications of pathogenicity. Review status: criteria provided, conflicting classifications (1 of 4 stars). 4 submissions from 4 submitters: Likely pathogenic (1); Uncertain significance (3). Last evaluated 2025-10-15.

Conditions:
Autosomal recessive limb-girdle muscular dystrophy type 2A (LGMDR1). Also called: Muscular dystrophy, limb-girdle, type 2A, Amish; LEYDEN-MOEBIUS MUSCULAR DYSTROPHY; MUSCULAR DYSTROPHY, PELVOFEMORAL; Limb-girdle muscular dystrophy, type 2A; Calpainopathy. Identifiers: Orphanet 267, MedGen C1869123, MONDO:0009675, OMIM 253600. Disease mechanism: loss of function.

Submissions (4):

Labcorp Genetics (formerly Invitae), Labcorp
Classification: Uncertain significance for Autosomal recessive limb-girdle muscular dystrophy type 2A. Last evaluated: 2025-10-15. Review status: criteria provided, single submitter. Criteria: Invitae Variant Classification Sherloc (09022015). Collection method: clinical testing. Allele origin: germline.
Comment: This sequence change replaces phenylalanine, which is neutral and non-polar, with serine, which is neutral and polar, at codon 167 of the CAPN3 protein (p.Phe167Ser). This variant is not present in population databases (gnomAD no frequency). This missense change has been observed in individual(s) with autosomal recessive limb-girdle muscular dystrophy (PMID: 25079074). ClinVar contains an entry for this variant (Variation ID: 282048). An algorithm developed to predict the effect of missense changes on protein structure and function (PolyPhen-2) suggests that this variant is likely to be disruptive. Studies have shown that this missense change does not significantly alter or has an unclear effect on CAPN3 gene expression (PMID: 25079074). In summary, the available evidence is currently insufficient to determine the role of this variant in disease. Therefore, it has been classified as a Variant of Uncertain Significance.

GeneDx
Classification: Uncertain significance. Last evaluated: 2024-07-20. Review status: criteria provided, single submitter. Criteria: GeneDx Variant Classification Process June 2021. Collection method: clinical testing. Allele origin: germline. Affected: yes.
Comment: Seen with a second CAPN3 variant, phase unknown, in a patient with clinically suspected limb-girdle muscular dystrophy type 2A (PMID: 25079074); Not observed at significant frequency in large population cohorts (gnomAD); In silico analysis supports that this missense variant has a deleterious effect on protein structure/function; This variant is associated with the following publications: (PMID: 25079074)

CeGaT Center for Human Genetics Tuebingen
Classification: Uncertain significance. Last evaluated: 2024-03-01. Review status: criteria provided, single submitter. Criteria: CeGaT Center For Human Genetics Tuebingen Variant Classification Criteria Version 2. Collection method: clinical testing. Allele origin: germline. Affected: yes. Observed: 1 variant allele.
Comment: CAPN3: PM2, PM3, PP3

Eurofins Ntd Llc (ga)
Classification: Likely pathogenic. Last evaluated: 2017-05-16. Review status: criteria provided, single submitter. Criteria: EGL Classification Definitions 2015. Collection method: clinical testing. Allele origin: germline. Observed: 2 variant alleles, 2 heterozygotes.

Literature cited by the submitters: PubMed 25079074 (cited by Labcorp Genetics (formerly Invitae), Labcorp and Eurofins Ntd Llc (ga)).

NM_000070.3(CAPN3):c.500T>C (p.Phe167Ser)

Gene: CAPN3 (calpain 3; plus strand). Cytogenetic location: 15q15.1.
Variant type: single nucleotide variant.
Coding change: c.500T>C on transcript NM_000070.3 (MANE Select); coding-DNA position 500, T replaced by C.
Protein change: p.Phe167Ser; replaces phenylalanine 167 with serine.
Molecular consequence: missense variant.
Genome position (GRCh38, 1-based): chr15:42,387,754, T>C. VCF-style: chr15-42387754-T-C. GRCh37 (hg19) VCF-style: chr15-42679952-T-C.
Other names: c.500T>C (NM_000070.2); c.500T>C, p.Phe167Ser (NM_024344.2, NM_173087.2); short protein forms F167S.
Identifiers: ClinVar variation 282048 (VCV000282048.31), dbSNP rs886042296, ClinGen allele CA10604052.